The following is an entry in ClinVar:

NM_006269.2(RP1):c.392G>A (p.Arg131Gln)

Gene: RP1 (RP1 axonemal microtubule associated; plus strand). Cytogenetic location: 8q12.1.
Variant type: single nucleotide variant.
Coding change: c.392G>A on transcript NM_006269.2 (MANE Select); coding-DNA position 392, G replaced by A.
Protein change: p.Arg131Gln; replaces arginine 131 with glutamine.
Molecular consequence: missense variant.
Genome position (GRCh38, 1-based): chr8:54,621,358, G>A. VCF-style: chr8-54621358-G-A. GRCh37 (hg19) VCF-style: chr8-55533918-G-A.
Other names: c.392G>A, p.Arg131Gln (NM_001375654.1); short protein forms R131Q.
Identifiers: ClinVar variation 2062748 (VCV002062748.5), dbSNP rs752150870, ClinGen allele CA4751140.

ClinVar aggregate classification (germline): Uncertain significance. Review status: criteria provided, multiple submitters, no conflicts (2 of 4 stars). 2 submissions from 2 submitters: Uncertain significance (2). Last evaluated 2023-10-01.

Conditions:
Retinal dystrophy. Also called: Inherited retinal dystrophy. Identifiers: Orphanet 71862, MedGen C0854723, MeSH D058499, MONDO:0019118, HP:0000556.

gnomAD v4.1: 93 of 1,611,612 alleles (0.0058%); highest among the groups gnomAD compares: East Asian, 0.21%; no homozygotes.

Submissions (2):

Dept Of Ophthalmology, Nagoya University
Classification: Uncertain significance for Retinal dystrophy. Last evaluated: 2023-10-01. Review status: criteria provided, single submitter. Criteria: Submitter's publication. Collection method: research. Allele origin: germline. Affected: yes.

Labcorp Genetics (formerly Invitae), Labcorp
Classification: Uncertain significance. Last evaluated: 2022-12-12. Review status: criteria provided, single submitter. Criteria: Invitae Variant Classification Sherloc (09022015). Collection method: clinical testing. Allele origin: germline.
Comment: This variant has not been reported in the literature in individuals affected with RP1-related conditions. This variant is present in population databases (rs752150870, gnomAD 0.02%). This sequence change replaces arginine, which is basic and polar, with glutamine, which is neutral and polar, at codon 131 of the RP1 protein (p.Arg131Gln). Algorithms developed to predict the effect of missense changes on protein structure and function (SIFT, PolyPhen-2, Align-GVGD) all suggest that this variant is likely to be disruptive. In summary, the available evidence is currently insufficient to determine the role of this variant in disease. Therefore, it has been classified as a Variant of Uncertain Significance.